The following is an entry in ClinVar:

NM_005732.4(RAD50):c.361A>T (p.Thr121Ser)

Gene: RAD50 (RAD50 double strand break repair protein; plus strand). Cytogenetic location: 5q31.1.
Variant type: single nucleotide variant.
Coding change: c.361A>T on transcript NM_005732.4 (MANE Select); coding-DNA position 361, A replaced by T.
Protein change: p.Thr121Ser; replaces threonine 121 with serine.
Molecular consequence: missense variant.
Genome position (GRCh38, 1-based): chr5:132,575,924, A>T. VCF-style: chr5-132575924-A-T. GRCh37 (hg19) VCF-style: chr5-131911616-A-T.
Other names: short protein forms T121S.
Identifiers: ClinVar variation 1733301 (VCV001733301.2), dbSNP rs2149836488, ClinGen allele CA360931497.

ClinVar aggregate classification (germline): Uncertain significance (1 of 4 stars; one submission).

Conditions:
Hereditary cancer-predisposing syndrome. Also called: Neoplastic Syndromes, Hereditary; Tumor predisposition; Hereditary Cancer Syndrome; Hereditary neoplastic syndrome. Identifiers: Orphanet 140162, MedGen C0027672, MeSH D009386, MONDO:0015356.

Submission:

Ambry Genetics
Classification: Uncertain significance for Hereditary cancer-predisposing syndrome. Last evaluated: 2022-10-27. Review status: criteria provided, single submitter. Criteria: Ambry Variant Classification Scheme 2023. Collection method: clinical testing. Allele origin: germline.
Comment: The p.T121S variant (also known as c.361A>T), located in coding exon 3 of the RAD50 gene, results from an A to T substitution at nucleotide position 361. The threonine at codon 121 is replaced by serine, an amino acid with similar properties. This amino acid position is conserved. In addition, this alteration is predicted to be tolerated by in silico analysis. Since supporting evidence is limited at this time, the clinical significance of this alteration remains unclear.